The following is an entry in ClinVar:

ClinVar aggregate classification (germline): Pathogenic (1 of 4 stars; one submission).

Submission:

Labcorp Genetics (formerly Invitae), Labcorp
Classification: Pathogenic. Last evaluated: 2025-07-16. Review status: criteria provided, single submitter. Criteria: Invitae Variant Classification Sherloc (09022015). Collection method: clinical testing. Allele origin: germline.
Comment: This sequence change creates a premature translational stop signal (p.Glu141*) in the DNAJB13 gene. It is expected to result in an absent or disrupted protein product. Loss-of-function variants in DNAJB13 are known to be pathogenic (PMID: 27486783, 31650533). This variant is not present in population databases (gnomAD no frequency). This variant has not been reported in the literature in individuals affected with DNAJB13-related conditions. For these reasons, this variant has been classified as Pathogenic.

Literature cited by the submitters: PubMed 27486783; PubMed 31650533.

NM_153614.4(DNAJB13):c.421G>T (p.Glu141Ter)

Gene: DNAJB13 (DnaJ heat shock protein family (Hsp40) member B13; plus strand). Cytogenetic location: 11q13.4.
Variant type: single nucleotide variant.
Coding change: c.421G>T on transcript NM_153614.4 (MANE Select); coding-DNA position 421, G replaced by T.
Protein change: p.Glu141Ter; replaces glutamic acid 141 with a stop codon.
Molecular consequence: nonsense.
Genome position (GRCh38, 1-based): chr11:73,964,964, G>T. VCF-style: chr11-73964964-G-T. GRCh37 (hg19) VCF-style: chr11-73676009-G-T.
Other names: c.247G>T, p.Glu83Ter (NM_001377263.1); c.259G>T, p.Glu87Ter (NM_001441321.1); short protein forms E87*, E141*, E83*.
Identifiers: ClinVar variation 4719893 (VCV004719893.1).
Genomic context (GRCh38, chr11:73,964,964, plus strand): 5'-GTAGATTTGAACTTTGGGGGGCTCCAGGGCCGAGGGGTCAAGAAGCAGGACCCCCAAGTC[G>T]AACGGGATCTCTACCTGTCCCTGGAGGACTTATTCTTTGGCTGCACCAAAAAAATTAAGA-3'